The following is an entry in ClinVar:

ClinVar aggregate classification (germline): Pathogenic/Likely pathogenic. Review status: criteria provided, multiple submitters, no conflicts (2 of 4 stars). 2 submissions from 2 submitters: Pathogenic (1); Likely pathogenic (1). Last evaluated 2024-07-05.

Conditions:
FANCM-related disorder. Also called: FANCM-related condition.
Fanconi anemia (FA). Also called: Fanconi's anemia. Identifiers: Orphanet 84, MedGen C0015625, MeSH D005199, MONDO:0019391.

Allele frequency attached by ClinVar (database versions not stated): gnomAD exomes below 0.00001; gnomAD 0.00001.

Submissions (2):

Blueprint Genetics
Classification: Likely pathogenic for FANCM-related disorders. Last evaluated: 2024-07-05. Review status: criteria provided, single submitter. Criteria: ACMG Guidelines, 2015. Collection method: clinical testing. Allele origin: germline. Affected: yes. Observed: 3 variant alleles.

Labcorp Genetics (formerly Invitae), Labcorp
Classification: Pathogenic for Fanconi anemia. Last evaluated: 2022-04-26. Review status: criteria provided, single submitter. Criteria: Invitae Variant Classification Sherloc (09022015). Collection method: clinical testing. Allele origin: germline.
Comment: For these reasons, this variant has been classified as Pathogenic. This variant has not been reported in the literature in individuals affected with FANCM-related conditions. This variant is not present in population databases (gnomAD no frequency). This sequence change creates a premature translational stop signal (p.Glu985Argfs*3) in the FANCM gene. It is expected to result in an absent or disrupted protein product. Loss-of-function variants in FANCM are known to be pathogenic (PMID: 29895858, 30075111).

Literature cited by the submitters: PubMed 29895858 (cited by Labcorp Genetics (formerly Invitae), Labcorp); PubMed 30075111 (cited by Labcorp Genetics (formerly Invitae), Labcorp).

NM_020937.4(FANCM):c.2953del (p.Glu985fs)

Gene: FANCM (FA complementation group M; plus strand). Cytogenetic location: 14q21.2.
Variant type: Deletion.
Coding change: c.2953del on transcript NM_020937.4 (MANE Select); coding-DNA position 2953, one base deleted (G; older notation c.2953delG).
Protein change: p.Glu985fs; shifts the reading frame from glutamic acid 985.
Molecular consequence: frameshift variant.
Genome position (GRCh38, 1-based): chr14:45,175,707, G deleted. VCF-style (leftmost placement, unchanged base first): chr14-45175706-AG-A. GRCh37 (hg19) VCF-style: chr14-45644909-AG-A.
Other names: c.2875del, p.Glu959fs (NM_001308133.2); short protein forms E985fs, E959fs.
Identifiers: ClinVar variation 2162411 (VCV002162411.5), dbSNP rs1888636005, ClinGen allele CA962644347.